The following is an entry in ClinVar:

NM_144631.6(ZNF513):c.881G>C (p.Gly294Ala)

Gene: ZNF513 (zinc finger protein 513; minus strand). Cytogenetic location: 2p23.3.
Variant type: single nucleotide variant.
Coding change: c.881G>C on transcript NM_144631.6 (MANE Select); coding-DNA position 881, G replaced by C.
Protein change: p.Gly294Ala; replaces glycine 294 with alanine.
Molecular consequence: missense variant.
Genome position (GRCh38, 1-based): chr2:27,378,290, C>G on the plus strand (G>C on the coding strand, the complement: ZNF513 is on the minus strand). VCF-style: chr2-27378290-C-G. GRCh37 (hg19) VCF-style: chr2-27601157-C-G.
Other names: c.695G>C, p.Gly232Ala (NM_001201459.2); short protein forms G294A, G232A.
Identifiers: ClinVar variation 961863 (VCV000961863.11), dbSNP rs148537371, ClinGen allele CA1577913.

ClinVar aggregate classification (germline): Uncertain significance. Review status: criteria provided, multiple submitters, no conflicts (2 of 4 stars). 3 submissions from 3 submitters: Uncertain significance (3). Last evaluated 2025-04-10.

Conditions:
ZNF513-related disorder. Also called: ZNF513-related condition.

Allele frequency attached by ClinVar (database versions not stated): TOPMed 0.00007; ESP Exome Variant Server 0.00008.

Submissions (3):

Labcorp Genetics (formerly Invitae), Labcorp
Classification: Uncertain significance. Last evaluated: 2025-04-10. Review status: criteria provided, single submitter. Criteria: Invitae Variant Classification Sherloc (09022015). Collection method: clinical testing. Allele origin: germline.
Comment: This sequence change replaces glycine, which is neutral and non-polar, with alanine, which is neutral and non-polar, at codon 294 of the ZNF513 protein (p.Gly294Ala). This variant is present in population databases (rs148537371, gnomAD 0.007%). This variant has not been reported in the literature in individuals affected with ZNF513-related conditions. ClinVar contains an entry for this variant (Variation ID: 961863). An algorithm developed to predict the effect of missense changes on protein structure and function outputs the following: PolyPhen-2: "Benign". The alanine amino acid residue is found in multiple mammalian species, which suggests that this missense change does not adversely affect protein function. In summary, the available evidence is currently insufficient to determine the role of this variant in disease. Therefore, it has been classified as a Variant of Uncertain Significance.

Blueprint Genetics
Classification: Uncertain significance. Last evaluated: 2024-11-15. Review status: criteria provided, single submitter. Criteria: ACMG Guidelines, 2015. Collection method: clinical testing. Allele origin: germline.

PreventionGenetics, part of Exact Sciences
Classification: Uncertain significance for ZNF513-related condition. Last evaluated: 2023-01-03. Review status: criteria provided, single submitter. Criteria: ACMG Guidelines, 2015. Collection method: clinical testing. Allele origin: germline.
Comment: The ZNF513 c.881G>C variant is predicted to result in the amino acid substitution p.Gly294Ala. To our knowledge, this variant has not been reported in the literature. This variant is reported in 0.0055% of alleles in individuals of European (Non-Finnish) descent in gnomAD. At this time, the clinical significance of this variant is uncertain due to the absence of conclusive functional and genetic evidence.